The following is an entry in ClinVar:

NM_000051.4(ATM):c.7091del (p.Ala2364fs)

Genes: ATM (ATM serine/threonine kinase; plus strand), C11orf65 (chromosome 11 open reading frame 65; minus strand). Cytogenetic location: 11q22.3.
Variant type: Deletion.
Coding change: c.7091del on transcript NM_000051.4 (MANE Select); coding-DNA position 7091, one base deleted (C; older notation c.7091delC).
Protein change: p.Ala2364fs; shifts the reading frame from alanine 2364.
Molecular consequence: frameshift variant. On other transcripts: intron variant (2).
Genome position (GRCh38, 1-based): chr11:108,329,022, C deleted. VCF-style (leftmost placement, unchanged base first): chr11-108329021-GC-G. GRCh37 (hg19) VCF-style: chr11-108199748-GC-G.
Other names: c.7091del, p.Ala2364fs (NM_001351834.2); c.641-19951del (NM_001330368.2); c.*38+6198del (NM_001351110.2); short protein forms A2364fs.
Identifiers: ClinVar variation 236763 (VCV000236763.8), dbSNP rs878853538, ClinGen allele CA10582846.

ClinVar aggregate classification (germline): Pathogenic (1 of 4 stars; one submission).

Conditions:
Ataxia-telangiectasia syndrome (AT). Also called: Ataxia telangiectasia (A-T); Cerebello-oculocutaneous telangiectasia; Immunodeficiency with ataxia telangiectasia; LOUIS-BAR SYNDROME; AT, COMPLEMENTATION GROUP C; ATAXIA-TELANGIECTASIA, FRESNO VARIANT. Identifiers: Orphanet 100, MedGen C0004135, MONDO:0008840, OMIM 208900.

Submission:

Labcorp Genetics (formerly Invitae), Labcorp
Classification: Pathogenic for Ataxia-telangiectasia syndrome. Last evaluated: 2016-01-14. Review status: criteria provided, single submitter. Criteria: Invitae Variant Classification Sherloc (09022015). Collection method: clinical testing. Allele origin: germline.
Comment: This sequence change deletes 1 nucleotide from exon 49 of the ATM mRNA (c.7091delC), causing a frameshift at codon 2364. This creates a premature translational stop signal (p.Ala2364Glufs*2) and is expected to result in an absent or disrupted protein product. While this particular variant has not been reported in the literature, truncating variants in ATM are known to be pathogenic (PMID: 25614872, 23807571). For these reasons, this variant has been classified as Pathogenic.

Literature cited by the submitters: PubMed 25614872; PubMed 23807571.